The following is an entry in ClinVar:

NM_015662.3(IFT172):c.3121G>A (p.Ala1041Thr)

Gene: IFT172 (intraflagellar transport 172; minus strand). Cytogenetic location: 2p23.3.
Variant type: single nucleotide variant.
Coding change: c.3121G>A on transcript NM_015662.3 (MANE Select); coding-DNA position 3121, G replaced by A.
Protein change: p.Ala1041Thr; replaces alanine 1041 with threonine.
Molecular consequence: missense variant.
Genome position (GRCh38, 1-based): chr2:27,457,746, C>T on the plus strand (G>A on the coding strand, the complement: IFT172 is on the minus strand). VCF-style: chr2-27457746-C-T. GRCh37 (hg19) VCF-style: chr2-27680613-C-T.
Other names: c.3055G>A, p.Ala1019Thr (NM_001410739.1); short protein forms A1019T, A1041T.
Identifiers: ClinVar variation 2427777 (VCV002427777.7), dbSNP rs1469030001, ClinGen allele CA346380262.
Genomic context (GRCh38, chr2:27,457,746, plus strand): 5'-TTGCCTTCCATTCCTGGGCCTCGAGGTAGTGGTACTCAGCCTCCTGTAGTCGGCCTTCAG[C>T]CTCCAGCTCCTGCAGGAAGGTGAGTCAGGATGGAGAGATGGGGAGATGGAGCCTGGTTGG-3'
Protein context (NP_056477.1, residues 1031-1051): THLHLGKELE[Ala1041Thr]EGRLQEAEYH

ClinVar aggregate classification (germline): Uncertain significance. Review status: criteria provided, multiple submitters, no conflicts (2 of 4 stars). 2 submissions from 2 submitters: Uncertain significance (2). Last evaluated 2023-10-01.

Conditions:
Retinal dystrophy. Also called: Inherited retinal dystrophy. Identifiers: Orphanet 71862, MedGen C0854723, MeSH D058499, MONDO:0019118, HP:0000556.
Retinitis pigmentosa 71 (RP71). Identifiers: Orphanet 791, MedGen C4225342, MONDO:0014618, OMIM 616394.
Short-rib thoracic dysplasia 10 with or without polydactyly (SRTD10). Identifiers: Orphanet 474, MedGen C3810175, MONDO:0014284, OMIM 615630.

Submissions (2):

Dept Of Ophthalmology, Nagoya University
Classification: Uncertain significance for Retinal dystrophy. Last evaluated: 2023-10-01. Review status: criteria provided, single submitter. Criteria: Submitter's publication. Collection method: research. Allele origin: germline. Affected: yes.

Labcorp Genetics (formerly Invitae), Labcorp
Classification: Uncertain significance for Retinitis pigmentosa 71; Short-rib thoracic dysplasia 10 with or without polydactyly. Last evaluated: 2022-03-20. Review status: criteria provided, single submitter. Criteria: Invitae Variant Classification Sherloc (09022015). Collection method: clinical testing. Allele origin: germline.
Comment: This sequence change replaces alanine, which is neutral and non-polar, with threonine, which is neutral and polar, at codon 1041 of the IFT172 protein (p.Ala1041Thr). In summary, the available evidence is currently insufficient to determine the role of this variant in disease. Therefore, it has been classified as a Variant of Uncertain Significance. Algorithms developed to predict the effect of missense changes on protein structure and function output the following: SIFT: "Tolerated"; PolyPhen-2: "Benign"; Align-GVGD: "Class C0". The threonine amino acid residue is found in multiple mammalian species, which suggests that this missense change does not adversely affect protein function. This variant has not been reported in the literature in individuals affected with IFT172-related conditions. This variant is not present in population databases (gnomAD no frequency).